The following is an entry in ClinVar:

ClinVar aggregate classification (germline): Uncertain significance (1 of 4 stars; one submission).

Conditions:
Pontocerebellar hypoplasia type 1A (PCH1A). Also called: PONTOCEREBELLAR HYPOPLASIA WITH ANTERIOR HORN CELL DISEASE; PONTOCEREBELLAR HYPOPLASIA WITH INFANTILE SPINAL MUSCULAR ATROPHY. Identifiers: Orphanet 2254, Orphanet 88616, MedGen C1843504, MONDO:0011866, OMIM 607596.

Submission:

Labcorp Genetics (formerly Invitae), Labcorp
Classification: Uncertain significance for Pontocerebellar hypoplasia type 1A. Last evaluated: 2019-06-18. Review status: criteria provided, single submitter. Criteria: Invitae Variant Classification Sherloc (09022015). Collection method: clinical testing. Allele origin: germline.
Comment: This sequence change replaces proline with arginine at codon 368 of the VRK1 protein (p.Pro368Arg). The proline residue is weakly conserved and there is a moderate physicochemical difference between proline and arginine. In summary, the available evidence is currently insufficient to determine the role of this variant in disease. Therefore, it has been classified as a Variant of Uncertain Significance. Algorithms developed to predict the effect of missense changes on protein structure and function (SIFT, PolyPhen-2, Align-GVGD) all suggest that this variant is likely to be tolerated, but these predictions have not been confirmed by published functional studies and their clinical significance is uncertain. This variant has not been reported in the literature in individuals with VRK1-related conditions. This variant is not present in population databases (ExAC no frequency).

NM_003384.3(VRK1):c.1103C>G (p.Pro368Arg)

Gene: VRK1 (VRK serine/threonine kinase 1; plus strand). Cytogenetic location: 14q32.2.
Variant type: single nucleotide variant.
Coding change: c.1103C>G on transcript NM_003384.3 (MANE Select); coding-DNA position 1103, C replaced by G.
Protein change: p.Pro368Arg; replaces proline 368 with arginine.
Molecular consequence: missense variant.
Genome position (GRCh38, 1-based): chr14:96,876,064, C>G. VCF-style: chr14-96876064-C-G. GRCh37 (hg19) VCF-style: chr14-97342401-C-G.
Other names: short protein forms P368R.
Identifiers: ClinVar variation 948090 (VCV000948090.11), dbSNP rs1470768259, ClinGen allele CA390932430.
Genomic context (GRCh38, chr14:96,876,064, plus strand): 5'-TCTCTCTCTTTAATTTTATATGTAAGAAGCGAAAGAAAGAAATTGAAGAAAGCAAGGAAC[C>G]TGGTGTTGAAGATACGGAATGGTCAAACACACAGACAGAGGAGGCCATACAGACCCGTAA-3'
Protein context (NP_003375.1, residues 358-378): RKKEIEESKE[Pro368Arg]GVEDTEWSNT